The following is an entry in ClinVar:

ClinVar aggregate classification (germline): Uncertain significance. Review status: criteria provided, multiple submitters, no conflicts (2 of 4 stars). 2 submissions from 2 submitters: Uncertain significance (2). Last evaluated 2021-03-24.

Submissions (2):

Labcorp Genetics (formerly Invitae), Labcorp
Classification: Uncertain significance. Last evaluated: 2021-03-24. Review status: criteria provided, single submitter. Criteria: Invitae Variant Classification Sherloc (09022015). Collection method: clinical testing. Allele origin: germline.
Comment: Algorithms developed to predict the effect of missense changes on protein structure and function (SIFT, PolyPhen-2, Align-GVGD) all suggest that this variant is likely to be disruptive, but these predictions have not been confirmed by published functional studies and their clinical significance is uncertain. Algorithms developed to predict the effect of sequence changes on RNA splicing suggest that this variant may disrupt the consensus splice site, but this prediction has not been confirmed by published transcriptional studies. In summary, the available evidence is currently insufficient to determine the role of this variant in disease. Therefore, it has been classified as a Variant of Uncertain Significance. This variant has not been reported in the literature in individuals with PGK1-related conditions. This sequence change replaces glycine with cysteine at codon 372 of the PGK1 protein (p.Gly372Cys). The glycine residue is highly conserved and there is a large physicochemical difference between glycine and cysteine. This variant is not present in population databases (ExAC no frequency).

GeneDx
Classification: Uncertain significance. Last evaluated: 2019-05-08. Review status: criteria provided, single submitter. Criteria: GeneDx Variant Classification Process June 2021. Collection method: clinical testing. Allele origin: germline. Affected: yes.
Comment: Not observed in large population cohorts (Lek et al., 2016); In silico analysis, which includes protein predictors and evolutionary conservation, supports a deleterious effect; Has not been previously published as pathogenic or benign to our knowledge

NM_000291.4(PGK1):c.1114G>T (p.Gly372Cys)

Gene: PGK1 (phosphoglycerate kinase 1; plus strand). Cytogenetic location: Xq21.1.
Variant type: single nucleotide variant.
Coding change: c.1114G>T on transcript NM_000291.4 (MANE Select); coding-DNA position 1114, G replaced by T.
Protein change: p.Gly372Cys; replaces glycine 372 with cysteine.
Molecular consequence: missense variant.
Genome position (GRCh38, 1-based): chrX:78,125,051, G>T. VCF-style: chrX-78125051-G-T. GRCh37 (hg19) VCF-style: chrX-77380548-G-T.
Other names: short protein forms G372C.
Identifiers: ClinVar variation 1305561 (VCV001305561.9), dbSNP rs727504084, ClinGen allele CA413718149.